The following is an entry in ClinVar:

ClinVar aggregate classification (germline): Conflicting classifications of pathogenicity. Review status: criteria provided, conflicting classifications (1 of 4 stars). 6 submissions from 6 submitters: Uncertain significance (3); Benign (1); Likely benign (2). Last evaluated 2025-07-14.

Conditions:
Hereditary cancer-predisposing syndrome. Also called: Hereditary Cancer Syndrome; Hereditary neoplastic syndrome; Tumor predisposition; Neoplastic Syndromes, Hereditary. Identifiers: Orphanet 140162, MedGen C0027672, MeSH D009386, MONDO:0015356.
Peutz-Jeghers syndrome (PJS). Also called: Peutz-Jeghers polyposis; Periorificial lentiginosis syndrome; POLYPOSIS, HAMARTOMATOUS INTESTINAL; POLYPS-AND-SPOTS SYNDROME. Identifiers: Orphanet 2869, MedGen C0031269, MeSH D010580, MONDO:0008280, OMIM 175200.

Submissions (6):

Labcorp Genetics (formerly Invitae), Labcorp
Classification: Likely benign for Peutz-Jeghers syndrome. Last evaluated: 2025-07-14. Review status: criteria provided, single submitter. Criteria: Invitae Variant Classification Sherloc (09022015). Collection method: clinical testing. Allele origin: germline.

Myriad Genetics, Inc.
Classification: Benign for Peutz-Jeghers syndrome. Last evaluated: 2025-03-25. Review status: criteria provided, single submitter. Criteria: Myriad Autosomal Dominant, Autosomal Recessive and X-Linked Classification Criteria (2023). Collection method: clinical testing. Allele origin: unknown.
Comment: This variant is considered benign. This variant is a silent/synonymous amino acid change and it is not expected to impact splicing.

GeneDx
Classification: Uncertain significance. Last evaluated: 2022-02-08. Review status: criteria provided, single submitter. Criteria: GeneDx Variant Classification Process June 2021. Collection method: clinical testing. Allele origin: germline. Affected: yes.
Comment: In silico analysis supports that this variant does not alter splicing; Has not been previously published as pathogenic or benign to our knowledge

Genome-Nilou Lab
Classification: Uncertain significance for Peutz-Jeghers syndrome. Last evaluated: 2021-07-15. Review status: criteria provided, single submitter. Criteria: ACMG Guidelines, 2015. Collection method: clinical testing. Allele origin: germline. Affected: no.

Quest Diagnostics Nichols Institute San Juan Capistrano
Classification: Uncertain significance. Last evaluated: 2017-02-28. Review status: criteria provided, single submitter. Criteria: Quest Diagnostics criteria. Collection method: clinical testing. Allele origin: germline.

Ambry Genetics
Classification: Likely benign for Hereditary cancer-predisposing syndrome. Last evaluated: 2015-10-16. Review status: criteria provided, single submitter. Criteria: Ambry Variant Classification Scheme 2023. Collection method: clinical testing. Allele origin: germline.

NM_000455.5(STK11):c.189G>A (p.Val63=)

Gene: STK11 (serine/threonine kinase 11; plus strand). Cytogenetic location: 19p13.3.
Variant type: single nucleotide variant.
Coding change: c.189G>A on transcript NM_000455.5 (MANE Select); coding-DNA position 189, G replaced by A.
Protein change: p.Val63=; no amino-acid change (valine 63 retained).
Molecular consequence: synonymous variant.
Genome position (GRCh38, 1-based): chr19:1,207,102, G>A. VCF-style: chr19-1207102-G-A. GRCh37 (hg19) VCF-style: chr19-1207101-G-A.
Identifiers: ClinVar variation 439303 (VCV000439303.18), dbSNP rs1342321548, ClinGen allele CA504706290.